The following is an entry in ClinVar:

ClinVar aggregate classification (germline): Uncertain significance (1 of 4 stars; one submission).

Submission:

GeneDx
Classification: Uncertain significance. Last evaluated: 2025-07-16. Review status: criteria provided, single submitter. Criteria: GeneDx Variant Classification Process June 2021. Collection method: clinical testing. Allele origin: germline. Affected: yes.
Comment: Not observed at significant frequency in large population cohorts (gnomAD); In silico analysis supports that this missense variant has a deleterious effect on protein structure/function; Has not been previously published as pathogenic or benign to our knowledge; This variant is associated with the following publications: (PMID: 26807690)

NM_001927.4(DES):c.889A>C (p.Lys297Gln)

Gene: DES (desmin; plus strand). Cytogenetic location: 2q35.
Variant type: single nucleotide variant.
Coding change: c.889A>C on transcript NM_001927.4 (MANE Select); coding-DNA position 889, A replaced by C.
Protein change: p.Lys297Gln; replaces lysine 297 with glutamine.
Molecular consequence: missense variant. On other transcripts: intron variant (1).
Genome position (GRCh38, 1-based): chr2:219,420,648, A>C. VCF-style: chr2-219420648-A-C. GRCh37 (hg19) VCF-style: chr2-220285370-A-C.
Other names: c.886A>C, p.Lys296Gln (NM_001382708.1); c.889A>C, p.Lys297Gln (NM_001382710.1, NM_001382711.1, NM_001382712.1); c.619A>C, p.Lys207Gln (NM_001382713.1); c.735+302A>C (NM_001382709.1); short protein forms K207Q, K296Q, K297Q.
Identifiers: ClinVar variation 4686341 (VCV004686341.1).